The following is an entry in ClinVar:

ClinVar aggregate classification (germline): Uncertain significance (1 of 4 stars; one submission).

Conditions:
Hyperphosphatasia with impaired intellectual development syndrome 2. Also called: Hyperphosphatasia with intellectual disability syndrome 2; GLYCOSYLPHOSPHATIDYLINOSITOL BIOSYNTHESIS DEFECT 6. Identifiers: Orphanet 247262, MedGen C3553637, MONDO:0013882, OMIM 614749.

Submission:

Labcorp Genetics (formerly Invitae), Labcorp
Classification: Uncertain significance for Hyperphosphatasia with impaired intellectual development syndrome 2. Last evaluated: 2022-08-03. Review status: criteria provided, single submitter. Criteria: Invitae Variant Classification Sherloc (09022015). Collection method: clinical testing. Allele origin: germline.
Comment: This variant has not been reported in the literature in individuals affected with PIGO-related conditions. This variant is not present in population databases (gnomAD no frequency). This sequence change replaces leucine, which is neutral and non-polar, with valine, which is neutral and non-polar, at codon 227 of the PIGO protein (p.Leu227Val). Algorithms developed to predict the effect of missense changes on protein structure and function are either unavailable or do not agree on the potential impact of this missense change (SIFT: "Tolerated"; PolyPhen-2: "Probably Damaging"; Align-GVGD: "Class C0"). In summary, the available evidence is currently insufficient to determine the role of this variant in disease. Therefore, it has been classified as a Variant of Uncertain Significance.

NM_032634.4(PIGO):c.679C>G (p.Leu227Val)

Gene: PIGO (phosphatidylinositol glycan anchor biosynthesis class O; minus strand). Cytogenetic location: 9p13.3.
Variant type: single nucleotide variant.
Coding change: c.679C>G on transcript NM_032634.4 (MANE Select); coding-DNA position 679, C replaced by G.
Protein change: p.Leu227Val; replaces leucine 227 with valine.
Molecular consequence: missense variant.
Genome position (GRCh38, 1-based): chr9:35,094,001, G>C on the plus strand (C>G on the coding strand, the complement: PIGO is on the minus strand). VCF-style: chr9-35094001-G-C. GRCh37 (hg19) VCF-style: chr9-35093998-G-C.
Other names: c.679C>G, p.Leu227Val (NM_152850.4, NM_001201484.2); short protein forms L227V.
Identifiers: ClinVar variation 2102160 (VCV002102160.4), dbSNP rs1829555775, ClinGen allele CA373323740.